The following is an entry in ClinVar:

NM_000138.5(FBN1):c.244G>A (p.Val82Ile)

Gene: FBN1 (fibrillin 1; minus strand). Cytogenetic location: 15q21.1.
Variant type: single nucleotide variant.
Coding change: c.244G>A on transcript NM_000138.5 (MANE Select); coding-DNA position 244, G replaced by A.
Protein change: p.Val82Ile; replaces valine 82 with isoleucine.
Molecular consequence: missense variant.
Genome position (GRCh38, 1-based): chr15:48,613,013, C>T on the plus strand (G>A on the coding strand, the complement: FBN1 is on the minus strand). VCF-style: chr15-48613013-C-T. GRCh37 (hg19) VCF-style: chr15-48905210-C-T.
Other names: c.244G>A, p.Val82Ile (NM_001406716.1, NM_001406717.1); short protein forms V82I.
Identifiers: ClinVar variation 2936255 (VCV002936255.5), dbSNP rs148007052, ClinGen allele CA270060787.

ClinVar aggregate classification (germline): Uncertain significance. Review status: criteria provided, multiple submitters, no conflicts (2 of 4 stars). 3 submissions from 3 submitters: Uncertain significance (3). Last evaluated 2024-05-06.

Conditions:
Marfan syndrome (MFS). Also called: MARFAN SYNDROME, TYPE I; Marfan syndrome type 1; Marfan's syndrome; Marfan syndrome, classic; FBN1-Related Marfan Syndrome. Identifiers: Orphanet 284963, Orphanet 558, MedGen C0024796, MONDO:0007947, OMIM 154700.
Familial thoracic aortic aneurysm and aortic dissection (TAAD). Also called: Thoracic aortic aneurysms and dissections. Identifiers: Orphanet 91387, MedGen C4707243, MONDO:0019625.

Allele frequency attached by ClinVar (database versions not stated): ESP Exome Variant Server 0.00008; gnomAD 0.00002; TOPMed 0.00003.

Submissions (3):

GeneDx
Classification: Uncertain significance. Last evaluated: 2024-05-06. Review status: criteria provided, single submitter. Criteria: GeneDx Variant Classification Process June 2021. Collection method: clinical testing. Allele origin: germline. Affected: yes.
Comment: Not observed at significant frequency in large population cohorts (gnomAD); In silico analysis indicates that this missense variant does not alter protein structure/function; Has not been previously published as pathogenic or benign to our knowledge

Labcorp Genetics (formerly Invitae), Labcorp
Classification: Uncertain significance for Marfan syndrome; Familial thoracic aortic aneurysm and aortic dissection. Last evaluated: 2024-01-08. Review status: criteria provided, single submitter. Criteria: Invitae Variant Classification Sherloc (09022015). Collection method: clinical testing. Allele origin: germline.
Comment: This sequence change replaces valine, which is neutral and non-polar, with isoleucine, which is neutral and non-polar, at codon 82 of the FBN1 protein (p.Val82Ile). The frequency data for this variant in the population databases is considered unreliable, as metrics indicate poor data quality at this position in the gnomAD database. This variant has not been reported in the literature in individuals affected with FBN1-related conditions. Advanced modeling of protein sequence and biophysical properties (such as structural, functional, and spatial information, amino acid conservation, physicochemical variation, residue mobility, and thermodynamic stability) has been performed at Invitae for this missense variant, however the output from this modeling did not meet the statistical confidence thresholds required to predict the impact of this variant on FBN1 protein function. In summary, the available evidence is currently insufficient to determine the role of this variant in disease. Therefore, it has been classified as a Variant of Uncertain Significance.

All of Us Research Program, National Institutes of Health
Classification: Uncertain significance for Marfan syndrome. Last evaluated: 2023-10-06. Review status: criteria provided, single submitter. Criteria: ACMG Guidelines, 2015. Collection method: clinical testing. Allele origin: germline. Inheritance: Autosomal dominant inheritance. Observed: 1 variant allele, 1 heterozygote.
Comment: This missense variant replaces valine with isoleucine at codon 82 of the FBN1 protein. Computational prediction suggests that this variant may not impact protein structure and function (internally defined REVEL score threshold <= 0.5, PMID: 27666373). To our knowledge, functional studies have not been reported for this variant. This variant has not been reported in individuals affected with FBN1-related disorders in the literature. This variant has been identified in 1/248978 chromosomes in the general population by the Genome Aggregation Database (gnomAD). The available evidence is insufficient to determine the role of this variant in disease conclusively. Therefore, this variant is classified as a Variant of Uncertain Significance.

This study involves interpretation of variants in research participants for the purpose of population health screening. Participant phenotype was not available at the time of variant classification. Additional details can be found in publication PMID: 35346344, PMCID: PMC8962531